The following is an entry in ClinVar:

ClinVar aggregate classification (germline): Benign/Likely benign. Review status: criteria provided, multiple submitters, no conflicts (2 of 4 stars). 3 submissions from 3 submitters: Benign (2); Likely benign (1). Last evaluated 2021-05-23.

Conditions:
Tyrosinemia type II (TYRSN2). Also called: KERATOSIS PALMOPLANTARIS WITH CORNEAL DYSTROPHY; OREGON TYPE TYROSINEMIA; TAT DEFICIENCY; TYROSINE AMINOTRANSFERASE DEFICIENCY; TYROSINE TRANSAMINASE DEFICIENCY. Identifiers: Orphanet 28378, MedGen C0268487, MONDO:0010160, OMIM 276600.

Allele frequency attached by ClinVar (database versions not stated): 1000 Genomes Project 30x 0.00890; 1000 Genomes Project 0.00919; TOPMed 0.01942; gnomAD 0.02047 and 0.02095.
gnomAD v4.1: 35,378 of 1,289,932 alleles (2.7%); highest among the groups gnomAD compares: Non-Finnish European, 3.4%; 638 homozygotes.

Submissions (3):

GeneDx
Classification: Likely benign. Last evaluated: 2021-05-23. Review status: criteria provided, single submitter. Criteria: GeneDx Variant Classification Process June 2021. Collection method: clinical testing. Allele origin: germline. Affected: yes.
Comment: See Variant Classification Assertion Criteria.

Illumina Laboratory Services, Illumina
Classification: Benign for Tyrosinemia type II. Last evaluated: 2018-01-12. Review status: criteria provided, single submitter. Criteria: ICSL Variant Classification Criteria 13 December 2019. Collection method: clinical testing. Allele origin: germline.
Comment: This variant was observed in the ICSL laboratory as part of a predisposition screen in an ostensibly healthy population. It had not been previously curated by ICSL or reported in the Human Gene Mutation Database (HGMD: prior to June 1st, 2018), and was therefore a candidate for classification through an automated scoring system. Utilizing variant allele frequency, disease prevalence and penetrance estimates, and inheritance mode, an automated score was calculated to assess if this variant is too frequent to cause the disease. Based on the score and internal cut-off values, a variant classified as benign is not then subjected to further curation. The score for this variant resulted in a classification of benign for this disease.

Breakthrough Genomics
Classification: Benign. Review status: criteria provided, single submitter. Criteria: ACMG Guidelines, 2015. Collection method: not provided. Allele origin: germline. Inheritance: Autosomal recessive inheritance. Affected: yes.

NM_000353.3(TAT):c.*110C>T

Genes: TAT (tyrosine aminotransferase; minus strand), TAT-AS1 (TAT antisense RNA 1; plus strand). Cytogenetic location: 16q22.2.
Variant type: single nucleotide variant.
Coding change: c.*110C>T on transcript NM_000353.3 (MANE Select); 110 bases downstream of the stop codon, C replaced by T.
Molecular consequence: 3 prime UTR variant.
Genome position (GRCh38, 1-based): chr16:71,568,034, G>A on the plus strand (C>T on the coding strand, the complement: TAT is on the minus strand). VCF-style: chr16-71568034-G-A. GRCh37 (hg19) VCF-style: chr16-71601937-G-A.
Identifiers: ClinVar variation 884404 (VCV000884404.6), dbSNP rs113110476, ClinGen allele CA283577987.